The following is an entry in ClinVar:

NM_000163.5(GHR):c.1369C>T (p.Gln457Ter)

Gene: GHR (growth hormone receptor; plus strand). Cytogenetic location: 5p12.
Variant type: single nucleotide variant.
Coding change: c.1369C>T on transcript NM_000163.5 (MANE Select); coding-DNA position 1369, C replaced by T.
Protein change: p.Gln457Ter; replaces glutamine 457 with a stop codon.
Molecular consequence: nonsense. On other transcripts: 3 prime UTR variant (1).
Genome position (GRCh38, 1-based): chr5:42,718,876, C>T. VCF-style: chr5-42718876-C-T. GRCh37 (hg19) VCF-style: chr5-42718978-C-T.
Other names: c.1390C>T, p.Gln464Ter (NM_001242399.2); c.1369C>T, p.Gln457Ter (NM_001242400.2, NM_001242401.4, NM_001242402.2 and 4 more transcripts); c.1303C>T, p.Gln435Ter (NM_001242460.2); c.*411C>T (NM_001242462.1); short protein forms Q435*, Q457*, Q464*.
Identifiers: ClinVar variation 4722702 (VCV004722702.1).

ClinVar aggregate classification (germline): Pathogenic (1 of 4 stars; one submission).

Submission:

Labcorp Genetics (formerly Invitae), Labcorp
Classification: Pathogenic. Last evaluated: 2025-07-05. Review status: criteria provided, single submitter. Criteria: Invitae Variant Classification Sherloc (09022015). Collection method: clinical testing. Allele origin: germline.
Comment: This sequence change creates a premature translational stop signal (p.Gln457*) in the GHR gene. While this is not anticipated to result in nonsense mediated decay, it is expected to disrupt the last 182 amino acid(s) of the GHR protein. This variant is not present in population databases (gnomAD no frequency). This variant has not been reported in the literature in individuals affected with GHR-related conditions. This variant disrupts a region of the GHR protein in which other variant(s) (p.Arg578Serfs*23) have been determined to be pathogenic (PMID: 15536163). This suggests that this is a clinically significant region of the protein, and that variants that disrupt it are likely to be disease-causing. For these reasons, this variant has been classified as Pathogenic.

Literature cited by the submitters: PubMed 15536163.